The following is an entry in ClinVar:

ClinVar aggregate classification (germline): Pathogenic. Review status: criteria provided, multiple submitters, no conflicts (2 of 4 stars). 2 submissions from 2 submitters: Pathogenic (2). Last evaluated 2024-09-28.

Conditions:
Basal cell nevus syndrome 1 (BCNS1). Also called: MULTIPLE BASAL CELL NEVI, ODONTOGENIC KERATOCYSTS, AND SKELETAL ANOMALIES; GORLIN-GOLTZ SYNDROME. Identifiers: MedGen CN376810, MONDO:0958174, OMIM 109400.
Gorlin syndrome. Also called: Basal cell nevus syndrome; Nevoid Basal Cell Carcinoma Syndrome. Identifiers: Orphanet 377, MedGen C0004779, MONDO:0007187.

gnomAD v4.1: 1 of 1,613,956 alleles (0.000062%); no homozygotes.

Submissions (2):

3billion
Classification: Pathogenic for Basal cell nevus syndrome 1. Last evaluated: 2024-09-28. Review status: criteria provided, single submitter. Criteria: ACMG Guidelines, 2015. Collection method: clinical testing. Allele origin: germline. Affected: yes.
Comment: The variant is observed at an extremely low frequency in the gnomAD v4.1.0 dataset (total allele frequency: <0.001%). Predicted Consequence/Location: Stop-gained (nonsense): predicted to result in a loss or disruption of normal protein function through nonsense-mediated decay (NMD) or protein truncation. Multiple pathogenic variants are reported downstream of the variant. The variant has been reported to be associated with PTCH1-related disorder (ClinVar ID: VCV002910229 /PMID: 29575684). Therefore, this variant is classified as Pathogenic according to the recommendation of ACMG/AMP guideline.

Labcorp Genetics (formerly Invitae), Labcorp
Classification: Pathogenic for Gorlin syndrome. Last evaluated: 2023-12-12. Review status: criteria provided, single submitter. Criteria: Invitae Variant Classification Sherloc (09022015). Collection method: clinical testing. Allele origin: germline.
Comment: This sequence change creates a premature translational stop signal (p.Gln659*) in the PTCH1 gene. It is expected to result in an absent or disrupted protein product. Loss-of-function variants in PTCH1 are known to be pathogenic (PMID: 16301862, 16419085). This variant is not present in population databases (gnomAD no frequency). This premature translational stop signal has been observed in individual(s) with basal cell nevus syndrome (PMID: 29575684). For these reasons, this variant has been classified as Pathogenic.

Literature cited by the submitters: PubMed 29575684 (cited by 3billion and Labcorp Genetics (formerly Invitae), Labcorp); PubMed 16301862 (cited by Labcorp Genetics (formerly Invitae), Labcorp); PubMed 16419085 (cited by Labcorp Genetics (formerly Invitae), Labcorp).

NM_000264.5(PTCH1):c.1975C>T (p.Gln659Ter)

Genes: PTCH1 (patched 1; minus strand), LOC100507346 (uncharacterized LOC100507346; plus strand). Cytogenetic location: 9q22.32.
Variant type: single nucleotide variant.
Coding change: c.1975C>T on transcript NM_000264.5 (MANE Select); coding-DNA position 1975, C replaced by T.
Protein change: p.Gln659Ter; replaces glutamine 659 with a stop codon.
Molecular consequence: nonsense. On other transcripts: non-coding transcript variant (2).
Genome position (GRCh38, 1-based): chr9:95,469,026, G>A on the plus strand (C>T on the coding strand, the complement: PTCH1 is on the minus strand). VCF-style: chr9-95469026-G-A. GRCh37 (hg19) VCF-style: chr9-98231308-G-A.
Other names: c.1777C>T, p.Gln593Ter (NM_001083602.3); c.1972C>T, p.Gln658Ter (NM_001083603.3); c.1522C>T, p.Gln508Ter (NM_001083604.3, NM_001083605.3, NM_001083606.3 and 1 more transcripts); c.1819C>T, p.Gln607Ter (NM_001354918.2); short protein forms Q607*, Q508*, Q658*, Q593*, Q659*.
Identifiers: ClinVar variation 2910229 (VCV002910229.4), dbSNP rs1268572514, ClinGen allele CA374115918.